The following is an entry in ClinVar:

ClinVar aggregate classification (germline): Uncertain significance (1 of 4 stars; one submission).

Conditions:
DROSHA-related disorder. Also called: DROSHA-related condition.

Allele frequency attached by ClinVar (database versions not stated): gnomAD exomes 0.00001; gnomAD 0.00004; ExAC 0.00006; TOPMed 0.00006; ESP Exome Variant Server 0.00025; 1000 Genomes Project 0.00040; 1000 Genomes Project 30x 0.00047.
gnomAD v4.1: 22 of 1,606,614 alleles (0.0014%); highest among the groups gnomAD compares: African/African-American, 0.015%; no homozygotes.

Submission:

PreventionGenetics, part of Exact Sciences
Classification: Uncertain significance for DROSHA-related condition. Last evaluated: 2022-08-25. Review status: criteria provided, single submitter. Criteria: ACMG Guidelines, 2015. Collection method: clinical testing. Allele origin: germline.
Comment: The DROSHA c.1060C>T variant is predicted to result in the amino acid substitution p.Arg354Cys. To our knowledge, this variant has not been reported in the literature. This variant is reported in 0.042% of alleles in individuals of African descent in gnomAD. At this time, the clinical significance of this variant is uncertain due to the absence of conclusive functional and genetic evidence.

NM_001382508.1(DROSHA):c.1060C>T (p.Arg354Cys)

Gene: DROSHA (drosha ribonuclease III; minus strand). Cytogenetic location: 5p13.3.
Variant type: single nucleotide variant.
Coding change: c.1060C>T on transcript NM_001382508.1 (MANE Select); coding-DNA position 1060, C replaced by T.
Protein change: p.Arg354Cys; replaces arginine 354 with cysteine.
Molecular consequence: missense variant.
Genome position (GRCh38, 1-based): chr5:31,515,218, G>A on the plus strand (C>T on the coding strand, the complement: DROSHA is on the minus strand). VCF-style: chr5-31515218-G-A. GRCh37 (hg19) VCF-style: chr5-31515325-G-A.
Other names: c.949C>T, p.Arg317Cys (NM_001100412.2); c.1060C>T, p.Arg354Cys (NM_013235.5); short protein forms R317C, R354C.
Identifiers: ClinVar variation 2635891 (VCV002635891.1), dbSNP rs369352228, ClinGen allele CA3217788.
Genomic context (GRCh38, chr5:31,515,218, plus strand): 5'-CACTCCAACGGTCTTTTTCTTCCTCCCAACGAGCTCTCTTCTTCTCCCTACTTGGGGAGC[G>A]ACTTCAAAAGAGGGCAAAGGAGGTTAATTATTAAAAATACTCTTCCACTGTAAAAACTAT-3'
Protein context (NP_001369437.1, residues 344-364): WAPPLEIVNH[Arg354Cys]SPSREKKRAR